The following is an entry in ClinVar:

ClinVar aggregate classification (germline): Likely benign (1 of 4 stars; one submission).

Allele frequency attached by ClinVar (database versions not stated): 1000 Genomes Project 0.01238.
gnomAD v4.1: 2,138 of 702,128 alleles (0.3%); highest among the groups gnomAD compares: African/African-American, 3.4%; 34 homozygotes.

Submission:

GeneDx
Classification: Likely benign. Last evaluated: 2018-06-14. Review status: criteria provided, single submitter. Criteria: GeneDx Variant Classification (06012015). Collection method: clinical testing. Allele origin: germline. Affected: yes.
Comment: This variant is considered likely benign or benign based on one or more of the following criteria: it is a conservative change, it occurs at a poorly conserved position in the protein, it is predicted to be benign by multiple in silico algorithms, and/or has population frequency not consistent with disease.

NM_153026.3(PRICKLE1):c.-48-137G>T

Gene: PRICKLE1 (prickle planar cell polarity protein 1; minus strand). Cytogenetic location: 12q12.
Variant type: single nucleotide variant.
Coding change: c.-48-137G>T on transcript NM_153026.3 (MANE Select); 137 bases into the intron before 48 bases upstream of the start codon, G replaced by T.
Molecular consequence: intron variant.
Genome position (GRCh38, 1-based): chr12:42,472,701, C>A on the plus strand (G>T on the coding strand, the complement: PRICKLE1 is on the minus strand). VCF-style: chr12-42472701-C-A. GRCh37 (hg19) VCF-style: chr12-42866503-C-A.
Other names: c.-45-140G>T (NM_001144883.2); c.-48-137G>T (NM_001144882.2, NM_001144881.2).
Identifiers: ClinVar variation 677534 (VCV000677534.1), dbSNP rs113411095, ClinGen allele CA235495864.